The following is an entry in ClinVar:

ClinVar aggregate classification (germline): Uncertain significance (1 of 4 stars; one submission).

Conditions:
Inborn genetic diseases. Identifiers: MedGen C0950123, MeSH D030342.

Submission:

Ambry Genetics
Classification: Uncertain significance for Inborn genetic diseases. Last evaluated: 2025-10-06. Review status: criteria provided, single submitter. Criteria: Ambry Variant Classification Scheme 2023. Collection method: clinical testing. Allele origin: germline.
Comment: The p.D273G variant (also known as c.818A>G), located in coding exon 4 of the FANCM gene, results from an A to G substitution at nucleotide position 818. The aspartic acid at codon 273 is replaced by glycine, an amino acid with similar properties. This amino acid position is conserved. In addition, this alteration is predicted to be tolerated by in silico analysis. Based on the available evidence, the clinical significance of this variant remains unclear.

NM_020937.4(FANCM):c.818A>G (p.Asp273Gly)

Gene: FANCM (FA complementation group M; plus strand). Cytogenetic location: 14q21.2.
Variant type: single nucleotide variant.
Coding change: c.818A>G on transcript NM_020937.4 (MANE Select); coding-DNA position 818, A replaced by G.
Protein change: p.Asp273Gly; replaces aspartic acid 273 with glycine.
Molecular consequence: missense variant.
Genome position (GRCh38, 1-based): chr14:45,148,895, A>G. VCF-style: chr14-45148895-A-G. GRCh37 (hg19) VCF-style: chr14-45618098-A-G.
Other names: c.740A>G, p.Asp247Gly (NM_001308133.2); c.818A>G, p.Asp273Gly (NM_001308134.2); short protein forms D247G, D273G.
Identifiers: ClinVar variation 4619474 (VCV004619474.1).